The following is an entry in ClinVar:

NC_000010.10:g.(?_55580859)_(55591294_55600079)del

Gene: PCDH15 (protocadherin related 15; minus strand). Cytogenetic location: 10q21.1.
Variant type: Deletion.
Identifiers: ClinVar variation 1878412 (VCV001878412.1).

ClinVar aggregate classification (germline): Likely pathogenic (1 of 4 stars; one submission).

Conditions:
Usher syndrome type 1F (USH1F). Also called: USHER SYNDROME, TYPE IF. Identifiers: Orphanet 231169, Orphanet 886, MedGen C1865885, MONDO:0011186, OMIM 602083.

Submission:

Women's Health and Genetics/Laboratory Corporation of America, LabCorp
Classification: Likely pathogenic for Usher syndrome type 1F. Last evaluated: 2022-12-29. Review status: criteria provided, single submitter. Criteria: LabCorp Variant Classification Summary - May 2015. Collection method: clinical testing. Allele origin: germline.
Comment: Variant summary: The variant identified by MLPA or other technology involves the deletion of exons 30-33 in the PCDH15 gene, which are the last three exons of the PCDH15 gene. The exact breakpoint at the 3' end of this variant is unknown and therefore this deletion might extend beyond the assayed region of the PCDH15 gene. A presumed nomenclature of c.(3983+1_3984-1)_(*759_?)del has been designated for the purposes of this classification. The variant was absent in 21676 control chromosomes (gnomAD). To our knowledge, no occurrence of c.(3983+1_3984-1)_(*759_?)del in individuals affected with Usher Syndrome Type 1F and no experimental evidence demonstrating its impact on protein function have been reported. No clinical diagnostic laboratories have submitted clinical-significance assessments for this variant to ClinVar after 2014. Based on the evidence outlined above, the variant was classified as likely pathogenic.